The following is an entry in ClinVar:

NM_018406.7(MUC4):c.5487C>T (p.Asp1829=)

Gene: MUC4 (mucin 4, cell surface associated). Cytogenetic location: 3q29.
Variant type: single nucleotide variant.
Coding change: c.5487C>T on transcript NM_018406.7 (MANE Select); coding-DNA position 5487, C replaced by T.
Protein change: p.Asp1829=; no amino-acid change (aspartic acid 1829 retained).
Molecular consequence: synonymous variant. On other transcripts: genic upstream transcript variant (2).
Genome position (GRCh38, 1-based): chr3:195,786,093, G>A on the plus strand (C>T on the coding strand, the complement: MUC4 is on the minus strand). VCF-style: chr3-195786093-G-A. GRCh37 (hg19) VCF-style: chr3-195512964-G-A.
Other names: c.8094C>T, p.Asp2698= (NM_001322468.1); c.83-11788C>T (NM_138297.5); c.83-7638C>T (NM_004532.6).
Identifiers: ClinVar variation 2654471 (VCV002654471.24), dbSNP rs759375163, ClinGen allele CA2773689.

ClinVar aggregate classification (germline): Likely benign (1 of 4 stars; one submission).

Allele frequency attached by ClinVar (database versions not stated): ExAC 0.00073.

Submission:

CeGaT Center for Human Genetics Tuebingen
Classification: Likely benign. Last evaluated: 2023-01-01. Review status: criteria provided, single submitter. Criteria: CeGaT Center For Human Genetics Tuebingen Variant Classification Criteria Version 2. Collection method: clinical testing. Allele origin: germline. Affected: yes. Observed: 1 variant allele.
Comment: MUC4: BP4, BP7